The following is an entry in ClinVar:

NM_001166114.2(PNPLA6):c.1203C>A (p.Pro401=)

Gene: PNPLA6 (patatin like domain 6, lysophospholipase; plus strand). Cytogenetic location: 19p13.2.
Variant type: single nucleotide variant.
Coding change: c.1203C>A on transcript NM_001166114.2 (MANE Select); coding-DNA position 1203, C replaced by A.
Protein change: p.Pro401=; no amino-acid change (proline 401 retained).
Molecular consequence: synonymous variant.
Genome position (GRCh38, 1-based): chr19:7,542,018, C>A. VCF-style: chr19-7542018-C-A. GRCh37 (hg19) VCF-style: chr19-7606904-C-A.
Other names: c.1230C>A, p.Pro410= (NM_001166111.2); c.1086C>A, p.Pro362= (NM_001166112.2, NM_001166113.1, NM_006702.5).
Identifiers: ClinVar variation 1170027 (VCV001170027.34), dbSNP rs546470199, ClinGen allele CA9139710.
Genomic context (GRCh38, chr19:7,542,018, plus strand): 5'-GGAGCCTGAACATGTGTCTCCCCCAGGGGACCCTGTGAAGCCCACATCCCTGGAAACCCC[C>A]TCGGCCCCTCTGCTGAGCCGCTGCGTCTCCATGCCAGGGGACATCTCAGGTTTGGAGCAC-3'
Protein context (NP_001159586.1, residues 391-411): DPVKPTSLET[Pro401=]SAPLLSRCVS

ClinVar aggregate classification (germline): Benign/Likely benign. Review status: criteria provided, multiple submitters, no conflicts (2 of 4 stars). 3 submissions from 3 submitters: Benign (1); Likely benign (2). Last evaluated 2026-01-12.

Conditions:
Hereditary spastic paraplegia 39 (SPG39). Also called: Spastic Paraplegia Type 39 (SPG39); SPASTIC PARAPLEGIA 39, AUTOSOMAL RECESSIVE. Identifiers: Orphanet 139480, MedGen C2677586, MONDO:0012787, OMIM 612020.

Allele frequency attached by ClinVar (database versions not stated): gnomAD 0.00001 and 0.00004; TOPMed 0.00001; gnomAD exomes 0.00011; ExAC 0.00015; 1000 Genomes Project 0.00020; 1000 Genomes Project 30x 0.00031.
gnomAD v4.1: 143 of 1,608,330 alleles (0.0089%); highest among the groups gnomAD compares: East Asian, 0.18%; 2 homozygotes.

Submissions (3):

Labcorp Genetics (formerly Invitae), Labcorp
Classification: Benign for Hereditary spastic paraplegia 39. Last evaluated: 2026-01-12. Review status: criteria provided, single submitter. Criteria: Invitae Variant Classification Sherloc (09022015). Collection method: clinical testing. Allele origin: germline.

Blueprint Genetics
Classification: Likely benign. Last evaluated: 2024-11-17. Review status: criteria provided, single submitter. Criteria: ACMG Guidelines, 2015. Collection method: clinical testing. Allele origin: germline.

CeGaT Center for Human Genetics Tuebingen
Classification: Likely benign. Last evaluated: 2023-12-01. Review status: criteria provided, single submitter. Criteria: CeGaT Center For Human Genetics Tuebingen Variant Classification Criteria Version 2. Collection method: clinical testing. Allele origin: germline. Affected: yes. Observed: 2 variant alleles.
Comment: PNPLA6: BP4, BP7